The following is an entry in ClinVar:

ClinVar aggregate classification (germline): Likely pathogenic (1 of 4 stars; one submission).

Conditions:
Dilated cardiomyopathy 1G (CMD1G). Identifiers: Orphanet 154, MedGen C1858763, MONDO:0011400, OMIM 604145.
Autosomal recessive limb-girdle muscular dystrophy type 2J (LGMDR10). Also called: Limb-girdle muscular dystrophy, type 2J; MUSCULAR DYSTROPHY, LIMB-GIRDLE, AUTOSOMAL RECESSIVE 10. Identifiers: Orphanet 140922, MedGen C1837342, MONDO:0012127, OMIM 608807.

Submission:

Labcorp Genetics (formerly Invitae), Labcorp
Classification: Likely pathogenic for Dilated cardiomyopathy 1G; Autosomal recessive limb-girdle muscular dystrophy type 2J. Last evaluated: 2024-11-10. Review status: criteria provided, single submitter. Criteria: Invitae Variant Classification Sherloc (09022015). Collection method: clinical testing. Allele origin: germline.
Comment: This sequence change creates a premature translational stop signal (p.Glu26694*) in the TTN gene. While this is not anticipated to result in nonsense mediated decay, it is expected to create a truncated TTN protein. This variant is not present in population databases (gnomAD no frequency). This premature translational stop signal has been observed in individual(s) with dilated cardiomyopathy (internal data). This variant is located in the A band of TTN (PMID: 25589632). Truncating variants in this region are significantly overrepresented in patients affected with dilated cardiomyopathy (PMID: 25589632). Truncating variants in this region have also been reported in individuals affected with autosomal recessive centronuclear myopathy (PMID: 23975875). In summary, the currently available evidence indicates that the variant is pathogenic, but additional data are needed to prove that conclusively. Therefore, this variant has been classified as Likely Pathogenic.

Literature cited by the submitters: PubMed 25589632; PubMed 23975875.

NM_001267550.2(TTN):c.80080G>T (p.Glu26694Ter)

Genes: TTN (titin; minus strand), TTN-AS1 (TTN antisense RNA 1; plus strand). Cytogenetic location: 2q31.2.
Variant type: single nucleotide variant.
Coding change: c.80080G>T on transcript NM_001267550.2 (MANE Select); coding-DNA position 80080, G replaced by T.
Protein change: p.Glu26694Ter; replaces glutamic acid 26694 with a stop codon.
Molecular consequence: nonsense.
Genome position (GRCh38, 1-based): chr2:178,566,052, C>A on the plus strand (G>T on the coding strand, the complement: TTN is on the minus strand). VCF-style: chr2-178566052-C-A. GRCh37 (hg19) VCF-style: chr2-179430779-C-A.
Other names: c.75157G>T, p.Glu25053Ter (NM_001256850.1); c.52885G>T, p.Glu17629Ter (NM_003319.4); c.72376G>T, p.Glu24126Ter (NM_133378.4); c.53260G>T, p.Glu17754Ter (NM_133432.3); c.53461G>T, p.Glu17821Ter (NM_133437.4); short protein forms E17629*, E17754*, E17821*, E24126*, E25053*, E26694*.
Identifiers: ClinVar variation 3759741 (VCV003759741.2).